The following is an entry in ClinVar:

ClinVar aggregate classification (germline): Uncertain significance (1 of 4 stars; one submission).

Conditions:
Ullrich congenital muscular dystrophy 2 (UCMD2). Identifiers: Orphanet 75840, MedGen C4225314, MONDO:0014654, OMIM 616470.
Bethlem myopathy 2 (BTHLM2). Identifiers: Orphanet 536516, Orphanet 610, MedGen C4225313, MONDO:0034022, OMIM 616471.

Allele frequency attached by ClinVar (database versions not stated): TOPMed below 0.00001.

Submission:

Labcorp Genetics (formerly Invitae), Labcorp
Classification: Uncertain significance for Bethlem myopathy 2; Ullrich congenital muscular dystrophy 2. Last evaluated: 2023-10-13. Review status: criteria provided, single submitter. Criteria: Invitae Variant Classification Sherloc (09022015). Collection method: clinical testing. Allele origin: germline.
Comment: This sequence change replaces aspartic acid, which is acidic and polar, with asparagine, which is neutral and polar, at codon 1921 of the COL12A1 protein (p.Asp1921Asn). This variant is not present in population databases (gnomAD no frequency). This variant has not been reported in the literature in individuals affected with COL12A1-related conditions. ClinVar contains an entry for this variant (Variation ID: 936993). Advanced modeling of protein sequence and biophysical properties (such as structural, functional, and spatial information, amino acid conservation, physicochemical variation, residue mobility, and thermodynamic stability) performed at Invitae indicates that this missense variant is not expected to disrupt COL12A1 protein function. In summary, the available evidence is currently insufficient to determine the role of this variant in disease. Therefore, it has been classified as a Variant of Uncertain Significance.

NM_004370.6(COL12A1):c.5761G>A (p.Asp1921Asn)

Gene: COL12A1 (collagen type XII alpha 1 chain; minus strand). Cytogenetic location: 6q13.
Variant type: single nucleotide variant.
Coding change: c.5761G>A on transcript NM_004370.6 (MANE Select); coding-DNA position 5761, G replaced by A.
Protein change: p.Asp1921Asn; replaces aspartic acid 1921 with asparagine.
Molecular consequence: missense variant.
Genome position (GRCh38, 1-based): chr6:75,133,326, C>T on the plus strand (G>A on the coding strand, the complement: COL12A1 is on the minus strand). VCF-style: chr6-75133326-C-T. GRCh37 (hg19) VCF-style: chr6-75843042-C-T.
Other names: c.2269G>A, p.Asp757Asn (NM_080645.3); short protein forms D1921N, D757N.
Identifiers: ClinVar variation 936993 (VCV000936993.10), dbSNP rs1766404958, ClinGen allele CA364733937.